The following is an entry in ClinVar:

ClinVar aggregate classification (germline): Uncertain significance (1 of 4 stars; one submission).

Conditions:
Inborn genetic diseases. Identifiers: MedGen C0950123, MeSH D030342.

Submission:

Ambry Genetics
Classification: Uncertain significance for Inborn genetic diseases. Last evaluated: 2024-10-08. Review status: criteria provided, single submitter. Criteria: Ambry Variant Classification Scheme 2023. Collection method: clinical testing. Allele origin: germline.
Comment: The p.L65F variant (also known as c.195G>C), located in coding exon 2 of the LRRK2 gene, results from a G to C substitution at nucleotide position 195. The leucine at codon 65 is replaced by phenylalanine, an amino acid with highly similar properties. This amino acid position is conserved. In addition, the in silico prediction for this alteration is inconclusive. Based on the available evidence, the clinical significance of this variant remains unclear.

NM_198578.4(LRRK2):c.195G>C (p.Leu65Phe)

Gene: LRRK2 (leucine rich repeat kinase 2; plus strand). Cytogenetic location: 12q12.
Variant type: single nucleotide variant.
Coding change: c.195G>C on transcript NM_198578.4 (MANE Select); coding-DNA position 195, G replaced by C.
Protein change: p.Leu65Phe; replaces leucine 65 with phenylalanine.
Molecular consequence: missense variant.
Genome position (GRCh38, 1-based): chr12:40,225,598, G>C. VCF-style: chr12-40225598-G-C. GRCh37 (hg19) VCF-style: chr12-40619400-G-C.
Other names: short protein forms L65F.
Identifiers: ClinVar variation 3540534 (VCV003540534.1).
Genomic context (GRCh38, chr12:40,225,598, plus strand): 5'-ACCCACTTGTTTTCCAGCCTCCAAGTTATTTCAAGGCAAAAATATCCATGTGCCTCTGTT[G>C]ATCGTCTTGGACTCCTATATGAGAGTCGCGAGTGTGCAGCAGGTAAAGGCATTGTTTTCA-3'
Protein context (NP_940980.4, residues 55-75): FQGKNIHVPL[Leu65Phe]IVLDSYMRVA